The following is an entry in ClinVar:

ClinVar aggregate classification (germline): Uncertain significance (1 of 4 stars; one submission).

Allele frequency attached by ClinVar (database versions not stated): gnomAD exomes below 0.00001.
gnomAD v4.1: 1 of 1,613,870 alleles (0.000062%); highest among the groups gnomAD compares: Non-Finnish European, 0.000085%; no homozygotes.

Submission:

Labcorp Genetics (formerly Invitae), Labcorp
Classification: Uncertain significance. Last evaluated: 2021-01-21. Review status: criteria provided, single submitter. Criteria: Invitae Variant Classification Sherloc (09022015). Collection method: clinical testing. Allele origin: germline.
Comment: In summary, the available evidence is currently insufficient to determine the role of this variant in disease. Therefore, it has been classified as a Variant of Uncertain Significance. Algorithms developed to predict the effect of missense changes on protein structure and function are either unavailable or do not agree on the potential impact of this missense change (SIFT: "Deleterious"; PolyPhen-2: "Not Available"; Align-GVGD: "Class C0"). This variant has not been reported in the literature in individuals with COL7A1-related conditions. This variant is not present in population databases (ExAC no frequency). This sequence change replaces serine with cysteine at codon 857 of the COL7A1 protein (p.Ser857Cys). The serine residue is moderately conserved and there is a moderate physicochemical difference between serine and cysteine.

NM_000094.4(COL7A1):c.2570C>G (p.Ser857Cys)

Gene: COL7A1 (collagen type VII alpha 1 chain; minus strand). Cytogenetic location: 3p21.31.
Variant type: single nucleotide variant.
Coding change: c.2570C>G on transcript NM_000094.4 (MANE Select); coding-DNA position 2570, C replaced by G.
Protein change: p.Ser857Cys; replaces serine 857 with cysteine.
Molecular consequence: missense variant.
Genome position (GRCh38, 1-based): chr3:48,588,659, G>C on the plus strand (C>G on the coding strand, the complement: COL7A1 is on the minus strand). VCF-style: chr3-48588659-G-C. GRCh37 (hg19) VCF-style: chr3-48626092-G-C.
Other names: short protein forms S857C.
Identifiers: ClinVar variation 1518275 (VCV001518275.8), dbSNP rs1404367222, ClinGen allele CA352718454.